The following is an entry in ClinVar:

ClinVar aggregate classification (germline): Uncertain significance. Review status: criteria provided, single submitter (1 of 4 stars). 2 submissions from 2 submitters: Uncertain significance (1). 1 of the submissions does not count toward it. Last evaluated 2023-12-08.

Conditions:
Leukoencephalopathy with calcifications and cysts. Also called: LABRUNE SYNDROME; Leukoencephalopathy, brain calcifications, and cysts. Identifiers: Orphanet 542310, MedGen C3281200, MONDO:0013803, OMIM 614561.

gnomAD v4.1: 5 of 765,268 alleles (0.00065%); highest among the groups gnomAD compares: Non-Finnish European, 0.0012%; no homozygotes.

Submissions (2):

Women's Health and Genetics/Laboratory Corporation of America, LabCorp
Classification: Uncertain significance. Last evaluated: 2023-12-08. Review status: criteria provided, single submitter. Criteria: LabCorp Variant Classification Summary - May 2015. Collection method: clinical testing. Allele origin: germline.
Comment: Variant summary: SNORD118 n.75A>C alters a conserved nucleotide in a non-coding RNA gene. The variant allele was found at a frequency of 6.6e-06 in 759978 control chromosomes (i.e. in 5 carriers) in the gnomAD database, v4.0 dataset. The available data on variant occurrences in the general population are insufficient to allow any conclusion about variant significance. The variant, n.75A>C (aka. TMEM107 c.*689A>C), has been reported in the literature in a compound heterozygous individual affected with Leukoencephalopathy with Calcifications And Cysts (Crow_2021, Politano_2023). These data do not allow any conclusion about variant significance. To our knowledge, no experimental evidence demonstrating an impact on protein function has been reported. However, a different variant affecting the same nucleotide has been also reported in a patient (see Crow_2021, Politano_2023, and PMIDs 27571260, 28748214), suggesting that this nucleotide position might be important for RNA structure/function. The following publications have been ascertained in the context of this evaluation (PMID: 33029936, 37761957). One submitter has cited clinical-significance assessments for this variant to ClinVar after 2014 and has classified the variant as pathogenic. Based on the evidence outlined above, the variant was classified as VUS-possibly pathogenic.

Laboratory of Neurogenetics and Neuroinflammation, Institut Imagine
Classification: Pathogenic for Leukoencephalopathy, brain calcifications, and cysts. Last evaluated: 2020-04-06. Review status: no assertion criteria provided. Collection method: clinical testing. Allele origin: germline. Affected: yes. Observed: 1 variant allele. Not counted in ClinVar's aggregate classification.

Literature cited by the submitters: PubMed 33029936 (cited by Women's Health and Genetics/Laboratory Corporation of America, LabCorp); PubMed 37761957 (cited by Women's Health and Genetics/Laboratory Corporation of America, LabCorp).

NR_033294.2(SNORD118):n.75A>C

Genes: SNORD118 (small nucleolar RNA, C/D box 118; minus strand), TMEM107 (transmembrane protein 107; minus strand). Cytogenetic location: 17p13.1.
Variant type: single nucleotide variant.
Molecular consequence: 3 prime UTR variant (on NM_183065.4). On other transcripts: non-coding transcript variant (2).
Genome position: GRCh38 VCF-style: chr17-8173514-T-G. GRCh37 (hg19) VCF-style: chr17-8076832-T-G.
Other names: c.*689A>C (NM_001351278.2, NM_001351279.2, NM_001351280.2 and 2 more transcripts).
Identifiers: ClinVar variation 929276 (VCV000929276.2), dbSNP rs1400162090, ClinGen allele CA497957067.